The following is an entry in ClinVar:

NM_020686.6(ABAT):c.630C>T (p.Ile210=)

Gene: ABAT (4-aminobutyrate aminotransferase; plus strand). Cytogenetic location: 16p13.2.
Variant type: single nucleotide variant.
Coding change: c.630C>T on transcript NM_020686.6 (MANE Select); coding-DNA position 630, C replaced by T.
Protein change: p.Ile210=; no amino-acid change (isoleucine 210 retained).
Molecular consequence: synonymous variant.
Genome position (GRCh38, 1-based): chr16:8,768,219, C>T. VCF-style: chr16-8768219-C-T. GRCh37 (hg19) VCF-style: chr16-8862076-C-T.
Other names: c.630C>T, p.Ile210= (NM_000663.5, NM_001127448.2, NM_001386600.1 and 7 more transcripts); c.567C>T, p.Ile189= (NM_001386606.1, NM_001386607.1); c.537C>T, p.Ile179= (NM_001386608.1); c.495C>T, p.Ile165= (NM_001386610.1, NM_001386611.1); c.432C>T, p.Ile144= (NM_001386612.1, NM_001386613.1); c.384C>T, p.Ile128= (NM_001386614.1); c.726C>T, p.Ile242= (NM_001386615.1).
Identifiers: ClinVar variation 2182692 (VCV002182692.11), dbSNP rs2060001770, ClinGen allele CA493492314.
Genomic context (GRCh38, chr16:8,768,219, plus strand): 5'-ACTATGACTAATGACTGATATTTCTTGGTTTTAGGCCCCTGGCTGCCCCGACTACAGCAT[C>T]CTCTCCTTCATGGGCGCGTTCCATGGGAGGACCATGGGTAAGGAGGGACCATTGCGCTCC-3'
Protein context (NP_065737.2, residues 200-220): NQAPGCPDYS[Ile210=]LSFMGAFHGR

ClinVar aggregate classification (germline): Likely benign. Review status: criteria provided, multiple submitters, no conflicts (2 of 4 stars). 2 submissions from 2 submitters: Likely benign (2). Last evaluated 2025-04-01.

Conditions:
Gamma-aminobutyric acid transaminase deficiency (GABATD). Also called: GABA transaminase deficiency; Gamma aminobutyrate transaminase deficiency; 4 alpha aminobutyrate transaminase deficiency; GABA aminotransaminase deficiency. Identifiers: Orphanet 2066, MedGen C0342708, MONDO:0013166, OMIM 613163.

Allele frequency attached by ClinVar (database versions not stated): gnomAD exomes below 0.00001.
gnomAD v4.1: 4 of 1,614,116 alleles (0.00025%); highest among the groups gnomAD compares: Middle Eastern, 0.033%; no homozygotes.

Submissions (2):

CeGaT Center for Human Genetics Tuebingen
Classification: Likely benign. Last evaluated: 2025-04-01. Review status: criteria provided, single submitter. Criteria: CeGaT Center For Human Genetics Tuebingen Variant Classification Criteria Version 2. Collection method: clinical testing. Allele origin: germline. Affected: yes. Observed: 1 variant allele.
Comment: ABAT: BP4, BP7

Labcorp Genetics (formerly Invitae), Labcorp
Classification: Likely benign for Gamma-aminobutyric acid transaminase deficiency. Last evaluated: 2025-03-16. Review status: criteria provided, single submitter. Criteria: Invitae Variant Classification Sherloc (09022015). Collection method: clinical testing. Allele origin: germline.